The following is an entry in ClinVar:

ClinVar aggregate classification (germline): Pathogenic (1 of 4 stars; one submission).

Conditions:
Osteogenesis imperfecta type I (OI1). Also called: Lobstein's Disease; Lobstein disease; Classic Non-deforming Osteogenesis Imperfecta with Blue Sclerae; OI, TYPE I; OSTEOGENESIS IMPERFECTA TARDA; OSTEOGENESIS IMPERFECTA WITH BLUE SCLERAE. Identifiers: Orphanet 216796, Orphanet 666, MedGen C0023931, MONDO:0008146, OMIM 166200. Disease mechanism: loss of function.

Submission:

Labcorp Genetics (formerly Invitae), Labcorp
Classification: Pathogenic for Osteogenesis imperfecta type I. Last evaluated: 2023-06-28. Review status: criteria provided, single submitter. Criteria: Invitae Variant Classification Sherloc (09022015). Collection method: clinical testing. Allele origin: germline.
Comment: For these reasons, this variant has been classified as Pathogenic. This variant has not been reported in the literature in individuals affected with COL1A1-related conditions. This variant is not present in population databases (gnomAD no frequency). This sequence change creates a premature translational stop signal (p.Gln1240Hisfs*24) in the COL1A1 gene. It is expected to result in an absent or disrupted protein product. Loss-of-function variants in COL1A1 are known to be pathogenic (PMID: 7942841, 9295084, 9443882).

Literature cited by the submitters: PubMed 7942841; PubMed 9295084; PubMed 9443882.

NM_000088.4(COL1A1):c.3713_3719dup (p.Gln1240fs)

Gene: COL1A1 (collagen type I alpha 1 chain; minus strand). Cytogenetic location: 17q21.33.
Variant type: Duplication.
Coding change: c.3713_3719dup on transcript NM_000088.4 (MANE Select); coding-DNA positions 3713 to 3719, 7 bases duplicated (TGAGCCA; older notation c.3713_3719dupTGAGCCA).
Protein change: p.Gln1240fs; shifts the reading frame from glutamine 1240.
Molecular consequence: frameshift variant.
Genome position (GRCh38, 1-based): chr17:50,186,735-50,186,741, TGGCTCA duplicated on the plus strand (TGAGCCA on the coding strand, the reverse complement: COL1A1 is on the minus strand). VCF-style (leftmost placement, unchanged base first): chr17-50186734-C-CTGGCTCA. GRCh37 (hg19) VCF-style: chr17-48264095-C-CTGGCTCA.
Other names: short protein forms Q1240fs.
Identifiers: ClinVar variation 2731412 (VCV002731412.3), dbSNP rs2509163875, ClinGen allele CA2697560248.